The following is an entry in ClinVar:

ClinVar aggregate classification (germline): Uncertain significance. Review status: criteria provided, multiple submitters, no conflicts (2 of 4 stars). 4 submissions from 4 submitters: Uncertain significance (4). Last evaluated 2025-04-02.

Conditions:
Inborn genetic diseases. Identifiers: MedGen C0950123, MeSH D030342.
Developmental and epileptic encephalopathy, 42 (DEE42A). Also called: DEVELOPMENTAL AND EPILEPTIC ENCEPHALOPATHY 42A; EPILEPTIC ENCEPHALOPATHY, EARLY INFANTILE, 42A; Epileptic encephalopathy, early infantile, 42. Identifiers: MedGen C4310716, MONDO:0014917, OMIM 617106.
Episodic ataxia type 2 (EA2). Also called: ACETAZOLAMIDE-RESPONSIVE HEREDITARY PAROXYSMAL CEREBELLAR ATAXIA; ATAXIA, EPISODIC, WITH NYSTAGMUS; ATAXIA, FAMILIAL PAROXYSMAL; CEREBELLAR ATAXIA, PAROXYSMAL, ACETAZOLAMIDE-RESPONSIVE; CEREBELLOPATHY, HEREDITARY PAROXYSMAL; EPISODIC ATAXIA, NYSTAGMUS-ASSOCIATED. Identifiers: Orphanet 97, MedGen C1720416, MONDO:0007163, OMIM 108500.

gnomAD v4.1: 36 of 1,612,872 alleles (0.0022%); highest among the groups gnomAD compares: Non-Finnish European, 0.003%; no homozygotes.

Submissions (4):

GeneDx
Classification: Uncertain significance. Last evaluated: 2025-04-02. Review status: criteria provided, single submitter. Criteria: GeneDx Variant Classification Process June 2021. Collection method: clinical testing. Allele origin: germline. Affected: yes.
Comment: Not observed at significant frequency in large population cohorts (gnomAD); In silico analysis supports that this missense variant has a deleterious effect on protein structure/function; This variant is associated with the following publications: (PMID: 32899500, 32116539, 27066515)

Revvity Omics, Revvity
Classification: Uncertain significance. Last evaluated: 2023-10-03. Review status: criteria provided, single submitter. Criteria: ACMG Guidelines, 2015. Collection method: clinical testing. Allele origin: germline.

Labcorp Genetics (formerly Invitae), Labcorp
Classification: Uncertain significance for Developmental and epileptic encephalopathy, 42; Episodic ataxia type 2. Last evaluated: 2023-06-20. Review status: criteria provided, single submitter. Criteria: Invitae Variant Classification Sherloc (09022015). Collection method: clinical testing. Allele origin: germline.
Comment: This sequence change replaces glycine, which is neutral and non-polar, with tryptophan, which is neutral and slightly polar, at codon 411 of the CACNA1A protein (p.Gly411Trp). This variant is not present in population databases (gnomAD no frequency). This missense change has been observed in individual(s) with episodic ataxia type 2 (PMID: 27066515). ClinVar contains an entry for this variant (Variation ID: 588956). Advanced modeling of protein sequence and biophysical properties (such as structural, functional, and spatial information, amino acid conservation, physicochemical variation, residue mobility, and thermodynamic stability) performed at Invitae indicates that this missense variant is not expected to disrupt CACNA1A protein function. In summary, the available evidence is currently insufficient to determine the role of this variant in disease. Therefore, it has been classified as a Variant of Uncertain Significance.

Ambry Genetics
Classification: Uncertain significance for Inborn genetic diseases. Last evaluated: 2017-04-13. Review status: criteria provided, single submitter. Criteria: Ambry Variant Classification Scheme 2023. Collection method: clinical testing. Allele origin: germline.
Comment: The p.G411W variant (also known as c.1231G>T), located in coding exon 9 of the CACNA1A gene, results from a G to T substitution at nucleotide position 1231. The glycine at codon 411 is replaced by tryptophan, an amino acid with highly dissimilar properties. This variant has been reported in an individual with nystagmus (Maksemous N et al. Mol Genet Genomic Med, 2016 Mar;4:211-22). This amino acid position is not well conserved in available vertebrate species. In addition, the in silico prediction for this alteration is inconclusive. Since supporting evidence is limited at this time, the clinical significance of this alteration remains unclear.

Literature cited by the submitters: PubMed 27066515 (cited by Labcorp Genetics (formerly Invitae), Labcorp and Ambry Genetics).

NM_001127222.2(CACNA1A):c.1231G>T (p.Gly411Trp)

Gene: CACNA1A (calcium voltage-gated channel subunit alpha1 A; minus strand). Cytogenetic location: 19p13.13.
Variant type: single nucleotide variant.
Coding change: c.1231G>T on transcript NM_001127222.2 (MANE Select); coding-DNA position 1231, G replaced by T.
Protein change: p.Gly411Trp; replaces glycine 411 with tryptophan.
Molecular consequence: missense variant.
Genome position (GRCh38, 1-based): chr19:13,332,893, C>A on the plus strand (G>T on the coding strand, the complement: CACNA1A is on the minus strand). VCF-style: chr19-13332893-C-A. GRCh37 (hg19) VCF-style: chr19-13443707-C-A.
Other names: c.1231G>T, p.Gly411Trp (NM_000068.4, NM_001127221.2, NM_001174080.2 and 1 more transcripts); short protein forms G411W.
Identifiers: ClinVar variation 588956 (VCV000588956.18), dbSNP rs1448345243, ClinGen allele CA404346301.